The following is an entry in ClinVar:

NM_173651.4(FSIP2):c.8387C>T (p.Ser2796Phe)

Genes: FSIP2 (fibrous sheath interacting protein 2; plus strand), FSIP2-AS1 (FSIP2 antisense RNA 1; minus strand). Cytogenetic location: 2q32.1.
Variant type: single nucleotide variant.
Coding change: c.8387C>T on transcript NM_173651.4 (MANE Select); coding-DNA position 8387, C replaced by T.
Protein change: p.Ser2796Phe; replaces serine 2796 with phenylalanine.
Molecular consequence: missense variant.
Genome position (GRCh38, 1-based): chr2:185,795,523, C>T. VCF-style: chr2-185795523-C-T. GRCh37 (hg19) VCF-style: chr2-186660250-C-T.
Other names: c.8387C>T (NM_173651.3); short protein forms S2796F.
Identifiers: ClinVar variation 3097316 (VCV003097316.2), dbSNP rs200211105, ClinGen allele CA2016824.

ClinVar aggregate classification (germline): Likely benign. Review status: criteria provided, single submitter (1 of 4 stars). 2 submissions from 2 submitters: Likely benign (1). 1 of the submissions does not count toward it. Last evaluated 2022-12-19.

Conditions:
FSIP2-related disorder. Also called: FSIP2-related condition.

Allele frequency attached by ClinVar (database versions not stated): gnomAD exomes 0.00012; ExAC 0.00014; gnomAD 0.00016; TOPMed 0.00019.
gnomAD v4.1: 213 of 1,534,552 alleles (0.014%); highest among the groups gnomAD compares: Admixed American, 0.029%; no homozygotes.

Submissions (2):

Ambry Genetics
Classification: Likely benign. Last evaluated: 2022-12-19. Review status: criteria provided, single submitter. Criteria: Ambry Variant Classification Scheme 2023. Collection method: clinical testing. Allele origin: germline.

PreventionGenetics, part of Exact Sciences
Classification: Likely benign for FSIP2-related condition. Last evaluated: 2024-03-11. Review status: no assertion criteria provided. Collection method: clinical testing. Allele origin: germline. Not counted in ClinVar's aggregate classification.
Comment: This variant is classified as likely benign based on ACMG/AMP sequence variant interpretation guidelines (Richards et al. 2015 PMID: 25741868, with internal and published modifications).